The following is an entry in ClinVar:

ClinVar aggregate classification (germline): Uncertain significance (1 of 4 stars; one submission).

gnomAD v4.1: 6 of 1,202,324 alleles (0.0005%); highest among the groups gnomAD compares: African/African-American, 0.0018%; no homozygotes.

Submission:

Ambry Genetics
Classification: Uncertain significance. Last evaluated: 2026-05-05. Review status: criteria provided, single submitter. Criteria: Ambry Variant Classification Scheme 2023. Collection method: clinical testing. Allele origin: germline.
Comment: The c.1088C>A (p.S363Y) alteration is located in exon 8 (coding exon 8) of the KIAA1210 gene. This alteration results from a C to A substitution at nucleotide position 1088, causing the serine (S) at amino acid position 363 to be replaced by a tyrosine (Y). Based on data from gnomAD, the A allele has an overall frequency of 0.001% (2/170326) total alleles studied. The highest observed frequency was 0.009% (1/11817) of African alleles. Based on insufficient or conflicting evidence, the clinical significance of this alteration remains unclear.

NM_001394962.1(KIAA1210):c.668C>A (p.Ser223Tyr)

Gene: KIAA1210 (KIAA1210; minus strand). Cytogenetic location: Xq24.
Variant type: single nucleotide variant.
Coding change: c.668C>A on transcript NM_001394962.1 (MANE Select); coding-DNA position 668, C replaced by A.
Protein change: p.Ser223Tyr; replaces serine 223 with tyrosine.
Molecular consequence: missense variant.
Genome position (GRCh38, 1-based): chrX:119,096,672, G>T on the plus strand (C>A on the coding strand, the complement: KIAA1210 is on the minus strand). VCF-style: chrX-119096672-G-T. GRCh37 (hg19) VCF-style: chrX-118230635-G-T.
Other names: c.1088C>A, p.Ser363Tyr (NM_020721.1); short protein forms S223Y, S363Y.
Identifiers: ClinVar variation 4858789 (VCV004858789.1).